The following is an entry in ClinVar:

ClinVar aggregate classification (germline): Uncertain significance (1 of 4 stars; one submission).

Submission:

Labcorp Genetics (formerly Invitae), Labcorp
Classification: Uncertain significance. Last evaluated: 2024-09-08. Review status: criteria provided, single submitter. Criteria: Invitae Variant Classification Sherloc (09022015). Collection method: clinical testing. Allele origin: germline.
Comment: This sequence change replaces glycine, which is neutral and non-polar, with cysteine, which is neutral and slightly polar, at codon 60 of the CLP1 protein (p.Gly60Cys). Information on the frequency of this variant in the gnomAD database is not available, as this variant may be reported differently in the database. This variant has not been reported in the literature in individuals affected with CLP1-related conditions. Experimental studies and prediction algorithms are not available or were not evaluated, and the functional significance of this variant is currently unknown. In summary, the available evidence is currently insufficient to determine the role of this variant in disease. Therefore, it has been classified as a Variant of Uncertain Significance.

NM_006831.3(CLP1):c.177_178delinsCT (p.Gly60Cys)

Gene: CLP1 (cleavage factor polyribonucleotide kinase subunit 1; plus strand). Cytogenetic location: 11q12.1.
Variant type: Indel.
Coding change: c.177_178delinsCT on transcript NM_006831.3 (MANE Select); coding-DNA positions 177 to 178, TG replaced by CT.
Protein change: p.Gly60Cys; replaces glycine 60 with cysteine.
Molecular consequence: missense variant.
Genome position (GRCh38, 1-based): chr11:57,659,653-57,659,654, TG replaced by CT. VCF-style: chr11-57659653-TG-CT. GRCh37 (hg19) VCF-style: chr11-57427125-TG-CT.
Other names: c.177_178delinsCT, p.Gly60Cys (NM_001142597.2); short protein forms G60C.
Identifiers: ClinVar variation 2891277 (VCV002891277.3), dbSNP rs2495517368, ClinGen allele CA2739270443.